The following is an entry in ClinVar:

ClinVar aggregate classification (germline): Conflicting classifications of pathogenicity. Review status: criteria provided, conflicting classifications (1 of 4 stars). 2 submissions from 2 submitters: Uncertain significance (1); Likely benign (1). Last evaluated 2025-02-13.

Allele frequency attached by ClinVar (database versions not stated): gnomAD exomes below 0.00001; gnomAD 0.00001; TOPMed 0.00001.

Submissions (2):

Greenwood Genetic Center Diagnostic Laboratories, Greenwood Genetic Center
Classification: Uncertain significance. Last evaluated: 2025-02-13. Review status: criteria provided, single submitter. Criteria: ACMG Guidelines, 2015. Collection method: clinical testing. Allele origin: germline.
Comment: PM2, BP4, PP2

Labcorp Genetics (formerly Invitae), Labcorp
Classification: Likely benign. Last evaluated: 2023-11-27. Review status: criteria provided, single submitter. Criteria: Invitae Variant Classification Sherloc (09022015). Collection method: clinical testing. Allele origin: germline.

NM_004463.3(FGD1):c.245G>A (p.Ser82Asn)

Gene: FGD1 (FYVE, RhoGEF and PH domain containing 1; minus strand). Cytogenetic location: Xp11.22.
Variant type: single nucleotide variant.
Coding change: c.245G>A on transcript NM_004463.3 (MANE Select); coding-DNA position 245, G replaced by A.
Protein change: p.Ser82Asn; replaces serine 82 with asparagine.
Molecular consequence: missense variant.
Genome position (GRCh38, 1-based): chrX:54,495,188, C>T on the plus strand (G>A on the coding strand, the complement: FGD1 is on the minus strand). VCF-style: chrX-54495188-C-T. GRCh37 (hg19) VCF-style: chrX-54521621-C-T.
Other names: short protein forms S82N.
Identifiers: ClinVar variation 2874425 (VCV002874425.4), dbSNP rs945333070, ClinGen allele CA328946584.